The following is an entry in ClinVar:

ClinVar aggregate classification (germline): Uncertain significance (1 of 4 stars; one submission).

gnomAD v4.1: 4 of 1,260,428 alleles (0.00032%); highest among the groups gnomAD compares: Non-Finnish European, 0.0003%; no homozygotes.

Submission:

Labcorp Genetics (formerly Invitae), Labcorp
Classification: Uncertain significance. Last evaluated: 2025-02-13. Review status: criteria provided, single submitter. Criteria: Invitae Variant Classification Sherloc (09022015). Collection method: clinical testing. Allele origin: germline.
Comment: This sequence change replaces alanine, which is neutral and non-polar, with proline, which is neutral and non-polar, at codon 79 of the SIRT1 protein (p.Ala79Pro). This variant is not present in population databases (gnomAD no frequency). This variant has not been reported in the literature in individuals affected with SIRT1-related conditions. An algorithm developed to predict the effect of missense changes on protein structure and function (PolyPhen-2) suggests that this variant is likely to be disruptive. In summary, the available evidence is currently insufficient to determine the role of this variant in disease. Therefore, it has been classified as a Variant of Uncertain Significance.

NM_012238.5(SIRT1):c.235G>C (p.Ala79Pro)

Genes: SIRT1 (sirtuin 1; plus strand), LOC107832851 (SIRT1 promoter region; plus strand). Cytogenetic location: 10q21.3.
Variant type: single nucleotide variant.
Coding change: c.235G>C on transcript NM_012238.5 (MANE Select); coding-DNA position 235, G replaced by C.
Protein change: p.Ala79Pro; replaces alanine 79 with proline.
Molecular consequence: missense variant.
Genome position (GRCh38, 1-based): chr10:67,884,956, G>C. VCF-style: chr10-67884956-G-C. GRCh37 (hg19) VCF-style: chr10-69644714-G-C.
Other names: short protein forms A79P.
Identifiers: ClinVar variation 3694035 (VCV003694035.2).
Genomic context (GRCh38, chr10:67,884,956, plus strand): 5'-GAGGTGCCGGCGGCGGCCAGGGGCTGCCCGGGTGCGGCGGCGGCGGCGCTGTGGCGGGAG[G>C]CGGAGGCAGAGGCGGCGGCGGCAGGCGGGGAGCAAGAGGCCCAGGCGACTGCGGCGGCTG-3'
Protein context (NP_036370.2, residues 69-89): GAAAAALWRE[Ala79Pro]EAEAAAAGGE